The following is an entry in ClinVar:

ClinVar aggregate classification (germline): Uncertain significance. Review status: criteria provided, multiple submitters, no conflicts (2 of 4 stars). 3 submissions from 3 submitters: Uncertain significance (3). Last evaluated 2024-08-01.

Conditions:
Inborn genetic diseases. Identifiers: MedGen C0950123, MeSH D030342.
Bethlem myopathy 1A. Also called: MYOPATHY, BENIGN CONGENITAL, WITH CONTRACTURES; Bethlem myopathy 1; Bethlem Muscular Dystrophy. Identifiers: Orphanet 610, MedGen CN029274, MONDO:0024530, OMIM 158810.

Allele frequency attached by ClinVar (database versions not stated): gnomAD exomes below 0.00001; TOPMed below 0.00001; ExAC 0.00001.
gnomAD v4.1: 9 of 1,614,220 alleles (0.00056%); highest among the groups gnomAD compares: Non-Finnish European, 0.00068%; no homozygotes.

Submissions (3):

Labcorp Genetics (formerly Invitae), Labcorp
Classification: Uncertain significance for Bethlem myopathy 1A. Last evaluated: 2024-08-01. Review status: criteria provided, single submitter. Criteria: Invitae Variant Classification Sherloc (09022015). Collection method: clinical testing. Allele origin: germline.
Comment: This sequence change replaces isoleucine, which is neutral and non-polar, with methionine, which is neutral and non-polar, at codon 1563 of the COL6A3 protein (p.Ile1563Met). This variant is present in population databases (rs201178064, gnomAD 0.0009%). This variant has not been reported in the literature in individuals affected with COL6A3-related conditions. ClinVar contains an entry for this variant (Variation ID: 500624). Advanced modeling of protein sequence and biophysical properties (such as structural, functional, and spatial information, amino acid conservation, physicochemical variation, residue mobility, and thermodynamic stability) performed at Invitae indicates that this missense variant is not expected to disrupt COL6A3 protein function with a negative predictive value of 80%. In summary, the available evidence is currently insufficient to determine the role of this variant in disease. Therefore, it has been classified as a Variant of Uncertain Significance.

Ambry Genetics
Classification: Uncertain significance for Inborn genetic diseases. Last evaluated: 2024-07-30. Review status: criteria provided, single submitter. Criteria: Ambry Variant Classification Scheme 2023. Collection method: clinical testing. Allele origin: germline.

Eurofins Ntd Llc (ga)
Classification: Uncertain significance. Last evaluated: 2017-02-28. Review status: criteria provided, single submitter. Criteria: EGL Classification Definitions 2015. Collection method: clinical testing. Allele origin: germline. Observed: 1 variant allele, 1 heterozygote.

NM_004369.4(COL6A3):c.4689C>G (p.Ile1563Met)

Gene: COL6A3 (collagen type VI alpha 3 chain; minus strand). Cytogenetic location: 2q37.3.
Variant type: single nucleotide variant.
Coding change: c.4689C>G on transcript NM_004369.4 (MANE Select); coding-DNA position 4689, C replaced by G.
Protein change: p.Ile1563Met; replaces isoleucine 1563 with methionine.
Molecular consequence: missense variant.
Genome position (GRCh38, 1-based): chr2:237,368,774, G>C on the plus strand (C>G on the coding strand, the complement: COL6A3 is on the minus strand). VCF-style: chr2-237368774-G-C. GRCh37 (hg19) VCF-style: chr2-238277417-G-C.
Other names: c.2868C>G, p.Ile956Met (NM_057166.5); c.4071C>G, p.Ile1357Met (NM_057167.4); c.4689C>G (NM_004369.3); short protein forms I1563M, I1357M, I956M.
Identifiers: ClinVar variation 500624 (VCV000500624.9), dbSNP rs201178064, ClinGen allele CA2188834.